The following is an entry in ClinVar:

ClinVar aggregate classification (germline): Uncertain significance (1 of 4 stars; one submission).

gnomAD v4.1: 1 of 1,551,642 alleles (0.000064%); no homozygotes.

Submission:

GeneDx
Classification: Uncertain significance. Last evaluated: 2025-05-11. Review status: criteria provided, single submitter. Criteria: GeneDx Variant Classification Process June 2021. Collection method: clinical testing. Allele origin: germline. Affected: yes.
Comment: Not observed at significant frequency in large population cohorts (gnomAD); In silico analysis suggests that this missense variant does not alter protein structure/function; Has not been previously published as pathogenic or benign to our knowledge

NM_001134363.3(RBM20):c.1987G>A (p.Gly663Ser)

Gene: RBM20 (RNA binding motif protein 20; plus strand). Cytogenetic location: 10q25.2.
Variant type: single nucleotide variant.
Coding change: c.1987G>A on transcript NM_001134363.3 (MANE Select); coding-DNA position 1987, G replaced by A.
Protein change: p.Gly663Ser; replaces glycine 663 with serine.
Molecular consequence: missense variant.
Genome position (GRCh38, 1-based): chr10:110,812,384, G>A. VCF-style: chr10-110812384-G-A. GRCh37 (hg19) VCF-style: chr10-112572142-G-A.
Other names: short protein forms G663S.
Identifiers: ClinVar variation 4530019 (VCV004530019.1).